The following is an entry in ClinVar:

NM_015972.4(POLR1D):c.312G>C (p.Met104Ile)

Genes: POLR1D (RNA polymerase I and III subunit D; plus strand), LOC147380392 (uncharacterized LOC147380392; plus strand). Cytogenetic location: 13q12.2.
Variant type: single nucleotide variant.
Coding change: c.312G>C on transcript NM_015972.4 (MANE Select); coding-DNA position 312, G replaced by C.
Protein change: p.Met104Ile; replaces methionine 104 with isoleucine.
Molecular consequence: missense variant. On other transcripts: intron variant (2).
Genome position (GRCh38, 1-based): chr13:27,623,160, G>C. VCF-style: chr13-27623160-G-C. GRCh37 (hg19) VCF-style: chr13-28197297-G-C.
Other names: c.312G>C, p.Met104Ile (NM_001374407.1); c.-59+2020G>C (NM_001206559.2); c.26+1151G>C (NM_152705.3); short protein forms M104I.
Identifiers: ClinVar variation 4725269 (VCV004725269.1).

ClinVar aggregate classification (germline): Uncertain significance (1 of 4 stars; one submission).

Submission:

Labcorp Genetics (formerly Invitae), Labcorp
Classification: Uncertain significance. Last evaluated: 2025-08-11. Review status: criteria provided, single submitter. Criteria: Invitae Variant Classification Sherloc (09022015). Collection method: clinical testing. Allele origin: germline.
Comment: This sequence change replaces methionine, which is neutral and non-polar, with isoleucine, which is neutral and non-polar, at codon 104 of the POLR1D protein (p.Met104Ile). This variant is not present in population databases (gnomAD no frequency). This variant has not been reported in the literature in individuals affected with POLR1D-related conditions. An algorithm developed to predict the effect of missense changes on protein structure and function (PolyPhen-2) suggests that this variant is likely to be tolerated. In summary, the available evidence is currently insufficient to determine the role of this variant in disease. Therefore, it has been classified as a Variant of Uncertain Significance.